The following is an entry in ClinVar:

ClinVar aggregate classification (germline): Likely benign (0 of 4 stars; one submission).

Conditions:
RBM12-related disorder. Also called: RBM12-related condition.

Allele frequency attached by ClinVar (database versions not stated): gnomAD exomes 0.00007; ESP Exome Variant Server 0.00008; TOPMed 0.00013; ExAC 0.00014; gnomAD 0.00017.
gnomAD v4.1: 137 of 1,614,112 alleles (0.0085%); highest among the groups gnomAD compares: South Asian, 0.0088%; no homozygotes.

Submission:

PreventionGenetics, part of Exact Sciences
Classification: Likely benign for RBM12-related condition. Last evaluated: 2019-07-11. Review status: no assertion criteria provided. Collection method: clinical testing. Allele origin: germline.
Comment: This variant is classified as likely benign based on ACMG/AMP sequence variant interpretation guidelines (Richards et al. 2015 PMID: 25741868, with internal and published modifications).

NM_006047.6(RBM12):c.508A>G (p.Thr170Ala)

Genes: CPNE1 (copine 1; minus strand), RBM12 (RNA binding motif protein 12; minus strand). Cytogenetic location: 20q11.22.
Variant type: single nucleotide variant.
Coding change: c.508A>G on transcript NM_006047.6 (MANE Select); coding-DNA position 508, A replaced by G.
Protein change: p.Thr170Ala; replaces threonine 170 with alanine.
Molecular consequence: missense variant. On other transcripts: intron variant (5).
Genome position (GRCh38, 1-based): chr20:35,654,815, T>C on the plus strand (A>G on the coding strand, the complement: RBM12 is on the minus strand). VCF-style: chr20-35654815-T-C. GRCh37 (hg19) VCF-style: chr20-34242737-T-C.
Other names: c.508A>G, p.Thr170Ala (NM_001198838.2, NM_001198840.2, NM_152838.4); c.-1+9987A>G (NM_001198863.2, NM_152926.3); c.-1+9945A>G (NM_152925.3); c.-1+4115A>G (NM_152928.3, NM_152927.3); short protein forms T170A.
Identifiers: ClinVar variation 3050117 (VCV003050117.2), dbSNP rs201755733, ClinGen allele CA9836868.